The following is an entry in ClinVar:

ClinVar aggregate classification (germline): Uncertain significance. Review status: criteria provided, multiple submitters, no conflicts (2 of 4 stars). 2 submissions from 2 submitters: Uncertain significance (2). Last evaluated 2025-02-28.

Conditions:
Autoinflammatory syndrome with immunodeficiency. Also called: AUTOINFLAMMATORY SYNDROME, FAMILIAL, WITH OR WITHOUT IMMUNODEFICIENCY. Identifiers: MedGen C5543547, MONDO:0800130, OMIM 619375.

Submissions (2):

GeneDx
Classification: Uncertain significance. Last evaluated: 2025-02-28. Review status: criteria provided, single submitter. Criteria: GeneDx Variant Classification Process June 2021. Collection method: clinical testing. Allele origin: germline. Affected: yes.
Comment: Not observed at significant frequency in large population cohorts (gnomAD); In silico analysis supports that this missense variant has a deleterious effect on protein structure/function; Has not been previously published as pathogenic or benign to our knowledge

Johns Hopkins Genomics, Johns Hopkins University
Classification: Uncertain significance for Autoinflammatory syndrome with immunodeficiency. Last evaluated: 2024-09-12. Review status: criteria provided, single submitter. Criteria: ACMG Guidelines, 2015. Collection method: clinical testing. Allele origin: germline.
Comment: This SOCS1 variant is absent from a large population dataset and has not been reported in ClinVar nor the literature, to our knowledge. Two bioinformatic tools queried predict that this substitution would be damaging, and the aspartic acid residue at this position is strongly conserved across the vertebrate species assessed. Bioinformatic analysis predicts that this missense variant would not affect normal exon 2 splicing, although this has not been confirmed experimentally to our knowledge. Due to insufficient evidence that this variant is deleterious, we consider the clinical significance of c.604G>T to be uncertain at this time.

Literature cited by the submitters: PubMed 32499645 (cited by Johns Hopkins Genomics, Johns Hopkins University); PubMed 32853638 (cited by Johns Hopkins Genomics, Johns Hopkins University); PubMed 33087723 (cited by Johns Hopkins Genomics, Johns Hopkins University).

NM_003745.2(SOCS1):c.604G>T (p.Asp202Tyr)

Genes: SOCS1 (suppressor of cytokine signaling 1; minus strand), LOC130058478 (ATAC-STARR-seq lymphoblastoid silent region 7197; plus strand). Cytogenetic location: 16p13.13.
Variant type: single nucleotide variant.
Coding change: c.604G>T on transcript NM_003745.2 (MANE Select); coding-DNA position 604, G replaced by T.
Protein change: p.Asp202Tyr; replaces aspartic acid 202 with tyrosine.
Molecular consequence: missense variant.
Genome position (GRCh38, 1-based): chr16:11,254,875, C>A on the plus strand (G>T on the coding strand, the complement: SOCS1 is on the minus strand). VCF-style: chr16-11254875-C-A. GRCh37 (hg19) VCF-style: chr16-11348732-C-A.
Other names: short protein forms D202Y.
Identifiers: ClinVar variation 4077270 (VCV004077270.2).
Genomic context (GRCh38, chr16:11,254,875, plus strand): 5'-ATGCTGCGTGCACGGCGGGCGCTGCCGGTCAAATCTGGAAGGGGAAGGAGCTCAGGTAGT[C>A]GCGGAGGACGGGGTTGAGGGGGATGCGAGCCAGGTTCTCGCGGCCCACGGTGGCCACGAT-3'
Protein context (NP_003736.1, residues 192-211): ARIPLNPVLR[Asp202Tyr]YLSSFPFQI